The following is an entry in ClinVar:

ClinVar aggregate classification (germline): Uncertain significance (1 of 4 stars; one submission).

Allele frequency attached by ClinVar (database versions not stated): TOPMed below 0.00001; ExAC 0.00001; gnomAD exomes 0.00001.
gnomAD v4.1: 4 of 1,614,166 alleles (0.00025%); highest among the groups gnomAD compares: Non-Finnish European, 0.00034%; no homozygotes.

Submission:

GeneDx
Classification: Uncertain significance. Last evaluated: 2019-05-24. Review status: criteria provided, single submitter. Criteria: GeneDx Variant Classification Process June 2021. Collection method: clinical testing. Allele origin: germline. Affected: yes.
Comment: Not observed at a significant frequency in large population cohorts (Lek et al., 2016); In silico analysis, which includes protein predictors and evolutionary conservation, supports a deleterious effect; Has not been previously published as pathogenic or benign to our knowledge

NM_000092.5(COL4A4):c.4643C>T (p.Pro1548Leu)

Gene: COL4A4 (collagen type IV alpha 4 chain; minus strand). Cytogenetic location: 2q36.3.
Variant type: single nucleotide variant.
Coding change: c.4643C>T on transcript NM_000092.5 (MANE Select); coding-DNA position 4643, C replaced by T.
Protein change: p.Pro1548Leu; replaces proline 1548 with leucine.
Molecular consequence: missense variant.
Genome position (GRCh38, 1-based): chr2:227,008,184, G>A on the plus strand (C>T on the coding strand, the complement: COL4A4 is on the minus strand). VCF-style: chr2-227008184-G-A. GRCh37 (hg19) VCF-style: chr2-227872900-G-A.
Other names: short protein forms P1548L.
Identifiers: ClinVar variation 1305937 (VCV001305937.2), dbSNP rs761671093, ClinGen allele CA2144109.